The following is an entry in ClinVar:

ClinVar aggregate classification (germline): Likely benign. Review status: criteria provided, multiple submitters, no conflicts (2 of 4 stars). 5 submissions from 5 submitters: Likely benign (4). 1 of the submissions does not count toward it. Last evaluated 2025-05-05.

Conditions:
JAG1-related disorder. Also called: JAG1-related condition; JAG1-related disorders.
Cardiovascular phenotype. Identifiers: MedGen CN230736.
Alagille syndrome due to a JAG1 point mutation. Also called: Alagille Syndrome 1; HEPATIC DUCTULAR HYPOPLASIA, SYNDROMATIC; JAG1-Related Alagille Syndrome. Identifiers: Orphanet 261619, Orphanet 52, MedGen C1956125, MONDO:0016862, OMIM 118450.

Allele frequency attached by ClinVar (database versions not stated): gnomAD 0.00001; gnomAD exomes 0.00001; ExAC 0.00002; ESP Exome Variant Server 0.00008.
gnomAD v4.1: 12 of 1,613,998 alleles (0.00074%); highest among the groups gnomAD compares: Middle Eastern, 0.085%; no homozygotes.

Submissions (5):

Labcorp Genetics (formerly Invitae), Labcorp
Classification: Likely benign for Alagille syndrome due to a JAG1 point mutation. Last evaluated: 2025-05-05. Review status: criteria provided, single submitter. Criteria: Invitae Variant Classification Sherloc (09022015). Collection method: clinical testing. Allele origin: germline.

Ambry Genetics
Classification: Likely benign for Cardiovascular phenotype. Last evaluated: 2022-12-24. Review status: criteria provided, single submitter. Criteria: Ambry Variant Classification Scheme 2023. Collection method: clinical testing. Allele origin: germline.

Blueprint Genetics
Classification: Likely benign. Last evaluated: 2022-09-02. Review status: criteria provided, single submitter. Criteria: ACMG Guidelines, 2015. Collection method: clinical testing. Allele origin: germline.

Breakthrough Genomics
Classification: Likely benign. Review status: criteria provided, single submitter. Criteria: ACMG Guidelines, 2015. Collection method: not provided. Allele origin: germline. Inheritance: Autosomal dominant inheritance. Affected: yes.

PreventionGenetics, part of Exact Sciences
Classification: Likely benign for JAG1-related condition. Last evaluated: 2022-06-23. Review status: no assertion criteria provided. Collection method: clinical testing. Allele origin: germline. Not counted in ClinVar's aggregate classification.
Comment: This variant is classified as likely benign based on ACMG/AMP sequence variant interpretation guidelines (Richards et al. 2015 PMID: 25741868, with internal and published modifications).

NM_000214.3(JAG1):c.1536G>A (p.Leu512=)

Gene: JAG1 (jagged canonical Notch ligand 1; minus strand). Cytogenetic location: 20p12.2.
Variant type: single nucleotide variant.
Coding change: c.1536G>A on transcript NM_000214.3 (MANE Select); coding-DNA position 1536, G replaced by A.
Protein change: p.Leu512=; no amino-acid change (leucine 512 retained).
Molecular consequence: synonymous variant.
Genome position (GRCh38, 1-based): chr20:10,648,582, C>T on the plus strand (G>A on the coding strand, the complement: JAG1 is on the minus strand). VCF-style: chr20-10648582-C-T. GRCh37 (hg19) VCF-style: chr20-10629230-C-T.
Other names: c.1536G>A (NM_000214.2).
Identifiers: ClinVar variation 1082567 (VCV001082567.14), dbSNP rs375773178, ClinGen allele CA9764832.
Genomic context (GRCh38, chr20:10,648,582, plus strand): 5'-GCCATCTGAGGTTTTGCCACCACTCACCTGACAGAGGTTTCCAGAGAAACCAGTGGGACA[C>T]AGACACTGGAATCTGTTGATTTCATTCTGACAGTGACCCCCATTCAAACAGGGGTTGCTG-3'
Protein context (NP_000205.1, residues 502-522): CQNEINRFQC[Leu512=]CPTGFSGNLC